The following is an entry in ClinVar:

ClinVar aggregate classification (germline): Conflicting classifications of pathogenicity. Review status: criteria provided, conflicting classifications (1 of 4 stars). 2 submissions from 1 submitter: Uncertain significance (1); Benign (1). Last evaluated 2018-01-13.

Conditions:
Corneal dystrophy. Identifiers: Orphanet 34533, MedGen C0010036, MONDO:0018102, HP:0001131.
Bietti crystalline corneoretinal dystrophy (BCD). Also called: Bietti Crystalline Dystrophy; BIETTI TAPETORETINAL DEGENERATION WITH MARGINAL CORNEAL DYSTROPHY. Identifiers: Orphanet 41751, MedGen C1859486, MONDO:0008865, OMIM 210370.

Allele frequency attached by ClinVar (database versions not stated): 1000 Genomes Project 0.00699.

Submissions (2):

Illumina Laboratory Services, Illumina
Classification: Uncertain significance for Corneal dystrophy. Last evaluated: 2018-01-13. Review status: criteria provided, single submitter. Criteria: ICSL Variant Classification Criteria 13 December 2019. Collection method: clinical testing. Allele origin: germline.

Illumina Laboratory Services, Illumina
Classification: Benign for Bietti crystalline corneoretinal dystrophy. Last evaluated: 2018-01-13. Review status: criteria provided, single submitter. Criteria: ICSL Variant Classification Criteria 13 December 2019. Collection method: clinical testing. Allele origin: germline.
Comment: This variant was observed in the ICSL laboratory as part of a predisposition screen in an ostensibly healthy population. It had not been previously curated by ICSL or reported in the Human Gene Mutation Database (HGMD: prior to June 1st, 2018), and was therefore a candidate for classification through an automated scoring system. Utilizing variant allele frequency, disease prevalence and penetrance estimates, and inheritance mode, an automated score was calculated to assess if this variant is too frequent to cause the disease. Based on the score and internal cut-off values, a variant classified as benign is not then subjected to further curation. The score for this variant resulted in a classification of benign for this disease.

NM_207352.4(CYP4V2):c.*1027C>T

Genes: CYP4V2 (cytochrome P450 family 4 subfamily V member 2; plus strand), KLKB1 (kallikrein B1; plus strand). Cytogenetic location: 4q35.2.
Variant type: single nucleotide variant.
Coding change: c.*1027C>T on transcript NM_207352.4 (MANE Select); 1027 bases downstream of the stop codon, C replaced by T.
Molecular consequence: 3 prime UTR variant.
Genome position (GRCh38, 1-based): chr4:186,211,668, C>T. VCF-style: chr4-186211668-C-T. GRCh37 (hg19) VCF-style: chr4-187132822-C-T.
Identifiers: ClinVar variation 348333 (VCV000348333.5), dbSNP rs541778964, ClinGen allele CA10618436.